The following is an entry in ClinVar:

ClinVar aggregate classification (germline): Conflicting classifications of pathogenicity. Review status: criteria provided, conflicting classifications (1 of 4 stars). 6 submissions from 6 submitters: Uncertain significance (3); Likely benign (3). Last evaluated 2025-11-12.

Conditions:
Cardiovascular phenotype. Identifiers: MedGen CN230736.
Catecholaminergic polymorphic ventricular tachycardia (CVPT). Also called: Catecholamine-induced polymorphic ventricular tachycardia. Identifiers: Orphanet 3286, MedGen C5574922, MONDO:0017990.
Catecholaminergic polymorphic ventricular tachycardia 1. Also called: RYR2-Related Catecholaminergic Polymorphic Ventricular Tachycardia; VENTRICULAR TACHYCARDIA, CATECHOLAMINERGIC POLYMORPHIC, 1, WITH OR WITHOUT ATRIAL DYSFUNCTION AND/OR DILATED CARDIOMYOPATHY; VENTRICULAR TACHYCARDIA, STRESS-INDUCED POLYMORPHIC 1. Identifiers: Orphanet 3286, MedGen C1631597, MONDO:0011484, OMIM 604772.
Cardiomyopathy (CMYO). Also called: Cardiomyopathies. Identifiers: Orphanet 167848, MedGen C0878544, MONDO:0004994, HP:0001638. Inheritance: Various modes of inheritance.

Allele frequency attached by ClinVar (database versions not stated): gnomAD 0.00003; gnomAD exomes 0.00003 and 0.00007; TOPMed 0.00003; ExAC 0.00005; 1000 Genomes Project 30x 0.00016; 1000 Genomes Project 0.00020.
gnomAD v4.1: 53 of 1,613,934 alleles (0.0033%); highest among the groups gnomAD compares: East Asian, 0.022%; no homozygotes.

Submissions (6):

Labcorp Genetics (formerly Invitae), Labcorp
Classification: Likely benign for Catecholaminergic polymorphic ventricular tachycardia 1. Last evaluated: 2025-11-12. Review status: criteria provided, single submitter. Criteria: Invitae Variant Classification Sherloc (09022015). Collection method: clinical testing. Allele origin: germline.

Mayo Clinic Laboratories, Mayo Clinic
Classification: Uncertain significance. Last evaluated: 2024-08-30. Review status: criteria provided, single submitter. Criteria: ACMG Guidelines, 2015. Collection method: clinical testing. Allele origin: germline. Observed: 1 variant allele.
Comment: BS1, BP4, PS4_moderate

Color Diagnostics, LLC DBA Color Health
Classification: Likely benign for Cardiomyopathy. Last evaluated: 2024-03-19. Review status: criteria provided, single submitter. Criteria: ACMG Guidelines, 2015. Collection method: clinical testing. Allele origin: germline.

Ambry Genetics
Classification: Likely benign for Cardiovascular phenotype. Last evaluated: 2024-01-25. Review status: criteria provided, single submitter. Criteria: Ambry Variant Classification Scheme 2023. Collection method: clinical testing. Allele origin: germline.

All of Us Research Program, National Institutes of Health
Classification: Uncertain significance for Catecholaminergic polymorphic ventricular tachycardia. Last evaluated: 2023-08-15. Review status: criteria provided, single submitter. Criteria: ACMG Guidelines, 2015. Collection method: clinical testing. Allele origin: germline. Inheritance: Autosomal dominant inheritance. Observed: 6 variant alleles, 6 heterozygotes.
Comment: This missense variant replaces proline with leucine at codon 1857 of the RYR2 protein. Computational prediction suggests that this variant may not impact protein structure and function (internally defined REVEL score threshold <= 0.5, PMID: 27666373). To our knowledge, functional studies have not been reported for this variant. This variant has been reported in an individual affected with unexplained cardiac arrest (PMID: 26189708) and in another individual affected with atrioventricular nodal reentry tachycardia (doi: 10.1002/ctm2.25). This variant has been identified in 19/279842 chromosomes in the general population by the Genome Aggregation Database (gnomAD). The available evidence is insufficient to determine the role of this variant in disease conclusively. Therefore, this variant is classified as a Variant of Uncertain Significance.

This study involves interpretation of variants in research participants for the purpose of population health screening. Participant phenotype was not available at the time of variant classification. Additional details can be found in publication PMID: 35346344, PMCID: PMC8962531

GeneDx
Classification: Uncertain significance. Last evaluated: 2019-10-16. Review status: criteria provided, single submitter. Criteria: GeneDx Variant Classification Process June 2021. Collection method: clinical testing. Allele origin: germline. Affected: yes.
Comment: Identified in patients with Long QT syndrome and catecholaminergic polymorphic ventricular tachycardia (CPVT) in published literature (Jimenez-Jaimez et al., 2015; Miyata et al., 2018); Reported in ClinVar as a variant of uncertain significance (ClinVar Variant ID# 519547; Landrum et al., 2016); In silico analysis, which includes protein predictors and evolutionary conservation, supports a deleterious effect; Not located in one of the three hot-spot regions of the RYR2 gene, where the majority of pathogenic missense variants occur (Medeiros-Domingo et al., 2009); This variant is associated with the following publications: (PMID: 29434162, 26189708)

Literature cited by the submitters: PubMed 26189708 (cited by 3 submitters); PubMed 29434162 (cited by Mayo Clinic Laboratories, Mayo Clinic and Ambry Genetics); PubMed 29453246 (cited by Mayo Clinic Laboratories, Mayo Clinic and Ambry Genetics); PubMed 32508047 (cited by Mayo Clinic Laboratories, Mayo Clinic and Ambry Genetics).

NM_001035.3(RYR2):c.5570C>T (p.Pro1857Leu)

Gene: RYR2 (ryanodine receptor 2; plus strand). Cytogenetic location: 1q43.
Variant type: single nucleotide variant.
Coding change: c.5570C>T on transcript NM_001035.3 (MANE Select); coding-DNA position 5570, C replaced by T.
Protein change: p.Pro1857Leu; replaces proline 1857 with leucine.
Molecular consequence: missense variant.
Genome position (GRCh38, 1-based): chr1:237,614,698, C>T. VCF-style: chr1-237614698-C-T. GRCh37 (hg19) VCF-style: chr1-237777998-C-T.
Other names: p.Pro1857Leu; c.5570C>T, p.Pro1857Leu (LRG_402t1); short protein forms P1857L.
Identifiers: ClinVar variation 519547 (VCV000519547.24), dbSNP rs568198475, ClinGen allele CA086908.